The following is an entry in ClinVar:

ClinVar aggregate classification (germline): Uncertain significance (1 of 4 stars; one submission).

Allele frequency attached by ClinVar (database versions not stated): gnomAD 0.00001.
gnomAD v4.1: 2 of 1,311,122 alleles (0.00015%); highest among the groups gnomAD compares: Admixed American, 0.0084%; no homozygotes.

Submission:

Ambry Genetics
Classification: Uncertain significance. Last evaluated: 2024-11-18. Review status: criteria provided, single submitter. Criteria: Ambry Variant Classification Scheme 2023. Collection method: clinical testing. Allele origin: germline.
Comment: The p.D106N variant (also known as c.316G>A), located in coding exon 1 of the EGLN1 gene, results from a G to A substitution at nucleotide position 316. The aspartic acid at codon 106 is replaced by asparagine, an amino acid with highly similar properties. This amino acid position is conserved. In addition, this alteration is predicted to be tolerated by in silico analysis. Since supporting evidence is limited at this time, the clinical significance of this alteration remains unclear.

NM_022051.3(EGLN1):c.316G>A (p.Asp106Asn)

Gene: EGLN1 (egl-9 family hypoxia inducible factor 1; minus strand). Cytogenetic location: 1q42.2.
Variant type: single nucleotide variant.
Coding change: c.316G>A on transcript NM_022051.3 (MANE Select); coding-DNA position 316, G replaced by A.
Protein change: p.Asp106Asn; replaces aspartic acid 106 with asparagine.
Molecular consequence: missense variant.
Genome position (GRCh38, 1-based): chr1:231,421,573, C>T on the plus strand (G>A on the coding strand, the complement: EGLN1 is on the minus strand). VCF-style: chr1-231421573-C-T. GRCh37 (hg19) VCF-style: chr1-231557319-C-T.
Other names: c.316G>A, p.Asp106Asn (NM_001377260.1, NM_001377261.1); short protein forms D106N.
Identifiers: ClinVar variation 1728414 (VCV001728414.3), dbSNP rs1656610331, ClinGen allele CA345237757.